The following is an entry in ClinVar:

NM_001040142.2(SCN2A):c.399_400dup (p.Leu134fs)

Gene: SCN2A (sodium voltage-gated channel alpha subunit 2; plus strand). Cytogenetic location: 2q24.3.
Variant type: Duplication.
Coding change: c.399_400dup on transcript NM_001040142.2 (MANE Select); coding-DNA positions 399 to 400, 2 bases duplicated (GC; older notation c.399_400dupGC).
Protein change: p.Leu134fs; shifts the reading frame from leucine 134.
Molecular consequence: frameshift variant.
Genome position (GRCh38, 1-based): chr2:165,307,860-165,307,861, GC duplicated. VCF-style (leftmost placement, unchanged base first): chr2-165307859-T-TGC. GRCh37 (hg19) VCF-style: chr2-166164369-T-TGC.
Other names: c.399_400dup, p.Leu134fs (NM_001040143.2, NM_001371246.1, NM_001371247.1 and 1 more transcripts); short protein forms L134fs.
Identifiers: ClinVar variation 2947810 (VCV002947810.3), dbSNP rs2467880808, ClinGen allele CA2740095801.

ClinVar aggregate classification (germline): Pathogenic (1 of 4 stars; one submission).

Conditions:
Seizures, benign familial infantile, 3 (BFIS3). Also called: CONVULSIONS, BENIGN FAMILIAL INFANTILE, 3; Familial neonatal seizures. Identifiers: Orphanet 140927, Orphanet 306, MedGen C1843140, MONDO:0011904, OMIM 607745.
Developmental and epileptic encephalopathy, 11 (DEE11). Also called: Early infantile epileptic encephalopathy 11. Identifiers: Orphanet 1934, MedGen C3150987, MONDO:0013388, OMIM 613721.

Submission:

Labcorp Genetics (formerly Invitae), Labcorp
Classification: Pathogenic for Seizures, benign familial infantile, 3; Developmental and epileptic encephalopathy, 11. Last evaluated: 2023-05-24. Review status: criteria provided, single submitter. Criteria: Invitae Variant Classification Sherloc (09022015). Collection method: clinical testing. Allele origin: germline.
Comment: This sequence change creates a premature translational stop signal (p.Leu134Argfs*14) in the SCN2A gene. It is expected to result in an absent or disrupted protein product. Loss-of-function variants in SCN2A are known to be pathogenic (PMID: 28379373). This variant is not present in population databases (gnomAD no frequency). This variant has not been reported in the literature in individuals affected with SCN2A-related conditions. For these reasons, this variant has been classified as Pathogenic.

Literature cited by the submitters: PubMed 28379373.